The following is an entry in ClinVar:

ClinVar aggregate classification (germline): Uncertain significance. Review status: criteria provided, single submitter (1 of 4 stars). 2 submissions from 2 submitters: Uncertain significance (1). 1 of the submissions does not count toward it. Last evaluated 2026-01-21.

Conditions:
Developmental and epileptic encephalopathy, 57. Also called: EPILEPTIC ENCEPHALOPATHY, EARLY INFANTILE, 57. Identifiers: MedGen C4540411, MONDO:0033366, OMIM 617771.

Allele frequency attached by ClinVar (database versions not stated): gnomAD exomes below 0.00001; ExAC 0.00001; gnomAD 0.00001; TOPMed 0.00001; 1000 Genomes Project 30x 0.00016; 1000 Genomes Project 0.00020.

Submissions (2):

Victorian Clinical Genetics Services, Murdoch Childrens Research Institute
Classification: Uncertain significance for Developmental and epileptic encephalopathy, 57. Last evaluated: 2026-01-21. Review status: criteria provided, single submitter. Criteria: ACMG Guidelines, 2015. Collection method: clinical testing. Allele origin: germline. Affected: yes.
Comment: This variant is classified as VUS-3A. Evidence in support of pathogenic classification: Variant is predicted to cause nonsense-mediated decay (NMD) and loss of protein (premature termination codon is located at least 54 nucleotides upstream of the final exon-exon junction); Variant is present in gnomAD <0.001 for a dominant condition (v4: 8 heterozygote(s), 0 homozygote(s)); This variant has limited previous evidence of pathogenicity in an unrelated individual(s). This variant has been reported once as likely pathogenic by a clinical laboratory in ClinVar. Additional information: This variant is heterozygous; This gene is associated with autosomal dominant disease; An alternative CNV expected to also have an NMD-predicted outcome is present in gnomAD sV (highest allele count: 20 heterozygote(s), 0 homozygote(s)); No published evidence of segregation with disease has been identified for this variant; No published functional evidence has been identified for this variant; Other NMD-predicted variant(s) comparable to the one identified in this case have conflicting previous evidence for pathogenicity. Eight NMD-predicted variants in this gene have been classified as likely pathogenic/pathogenic by clinical laboratories or observed in individuals with epilepsy (ClinVar, PMID: 38510274). However, these variants have also been reported as VUS by clinical laboratories in ClinVar, or were inherited from unaffected parents (VCGS); Gain of function, loss of function (LOF) and change of function have all been reported for variants in patients with developmental and epileptic encephalopathy, including epilepsy of infancy with migrating focal seizures (PMID: 29069600, PMID: 29740868, PMID: 32038177). However, dominant negative has not been excluded for variants displaying a LOF effect; Parental origin of the variant is unresolved.

Clinical Genetics Laboratory, University Hospital Schleswig-Holstein
Classification: Pathogenic for Developmental and epileptic encephalopathy, 57. Last evaluated: 2022-05-02. Review status: no assertion criteria provided. Collection method: clinical testing. Allele origin: germline. Affected: yes. Not counted in ClinVar's aggregate classification.

Literature cited by the submitters: PubMed 29740868 (cited by Victorian Clinical Genetics Services, Murdoch Childrens Research Institute); PubMed 32038177 (cited by Victorian Clinical Genetics Services, Murdoch Childrens Research Institute); PubMed 29069600 (cited by Victorian Clinical Genetics Services, Murdoch Childrens Research Institute); PubMed 38510274 (cited by Victorian Clinical Genetics Services, Murdoch Childrens Research Institute).

NM_198503.5(KCNT2):c.1621C>T (p.Arg541Ter)

Gene: KCNT2 (potassium sodium-activated channel subfamily T member 2; minus strand). Cytogenetic location: 1q31.3.
Variant type: single nucleotide variant.
Coding change: c.1621C>T on transcript NM_198503.5 (MANE Select); coding-DNA position 1621, C replaced by T.
Protein change: p.Arg541Ter; replaces arginine 541 with a stop codon.
Molecular consequence: nonsense. On other transcripts: non-coding transcript variant (2).
Genome position (GRCh38, 1-based): chr1:196,340,503, G>A on the plus strand (C>T on the coding strand, the complement: KCNT2 is on the minus strand). VCF-style: chr1-196340503-G-A. GRCh37 (hg19) VCF-style: chr1-196309633-G-A.
Other names: c.1621C>T, p.Arg541Ter (NM_001287819.3); c.1471C>T, p.Arg491Ter (NM_001287820.3); short protein forms R491*, R541*.
Identifiers: ClinVar variation 1710240 (VCV001710240.3), dbSNP rs528303127, ClinGen allele CA1304390.
Genomic context (GRCh38, chr1:196,340,503, plus strand): 5'-AATTCTCTTCTTTGGTAATATTAATATAAAAGCATATGTCTGTAGAATTCATAATGTATC[G>A]AGGACCTGGATTCAGCAAAATGTTTTTATTATCCTCCCTCCTAACACCAATCAAGCAGAC-3'